The following is an entry in ClinVar:

ClinVar aggregate classification (germline): Uncertain significance (1 of 4 stars; one submission).

Conditions:
Hereditary cancer-predisposing syndrome. Also called: Neoplastic Syndromes, Hereditary; Tumor predisposition; Hereditary Cancer Syndrome; Hereditary neoplastic syndrome. Identifiers: Orphanet 140162, MedGen C0027672, MeSH D009386, MONDO:0015356.

Submission:

Ambry Genetics
Classification: Uncertain significance for Hereditary cancer-predisposing syndrome. Last evaluated: 2026-03-24. Review status: criteria provided, single submitter. Criteria: Ambry Variant Classification Scheme 2023. Collection method: clinical testing. Allele origin: germline.
Comment: The p.N145Y variant (also known as c.433A>T), located in coding exon 3 of the KIT gene, results from an A to T substitution at nucleotide position 433. The asparagine at codon 145 is replaced by tyrosine, an amino acid with dissimilar properties. This amino acid position is conserved. In addition, this alteration is predicted to be tolerated by in silico analysis. Based on the available evidence, the clinical significance of this variant remains unclear.

NM_000222.3(KIT):c.433A>T (p.Asn145Tyr)

Gene: KIT (KIT proto-oncogene, receptor tyrosine kinase; plus strand). Cytogenetic location: 4q12.
Variant type: single nucleotide variant.
Coding change: c.433A>T on transcript NM_000222.3 (MANE Select); coding-DNA position 433, A replaced by T.
Protein change: p.Asn145Tyr; replaces asparagine 145 with tyrosine.
Molecular consequence: missense variant.
Genome position (GRCh38, 1-based): chr4:54,698,379, A>T. VCF-style: chr4-54698379-A-T. GRCh37 (hg19) VCF-style: chr4-55564545-A-T.
Other names: c.433A>T, p.Asn145Tyr (NM_001093772.2, NM_001385284.1, NM_001385285.1 and 4 more transcripts); short protein forms N145Y.
Identifiers: ClinVar variation 4858927 (VCV004858927.1).